The following is an entry in ClinVar:

NM_020812.4(DOCK6):c.5527C>T (p.Arg1843Cys)

Gene: DOCK6 (dedicator of cytokinesis 6; minus strand). Cytogenetic location: 19p13.2.
Variant type: single nucleotide variant.
Coding change: c.5527C>T on transcript NM_020812.4 (MANE Select); coding-DNA position 5527, C replaced by T.
Protein change: p.Arg1843Cys; replaces arginine 1843 with cysteine.
Molecular consequence: missense variant.
Genome position (GRCh38, 1-based): chr19:11,202,050, G>A on the plus strand (C>T on the coding strand, the complement: DOCK6 is on the minus strand). VCF-style: chr19-11202050-G-A. GRCh37 (hg19) VCF-style: chr19-11312726-G-A.
Other names: c.5632C>T, p.Arg1878Cys (NM_001367830.1); short protein forms R1843C, R1878C.
Identifiers: ClinVar variation 2632233 (VCV002632233.1), dbSNP rs776328092, ClinGen allele CA9206433.

ClinVar aggregate classification (germline): Uncertain significance (1 of 4 stars; one submission).

Conditions:
DOCK6-related disorder. Also called: DOCK6-related condition.

gnomAD v4.1: 15 of 1,613,904 alleles (0.00093%); highest among the groups gnomAD compares: South Asian, 0.0044%; no homozygotes.

Submission:

PreventionGenetics, part of Exact Sciences
Classification: Uncertain significance for DOCK6-related condition. Last evaluated: 2023-06-16. Review status: criteria provided, single submitter. Criteria: ACMG Guidelines, 2015. Collection method: clinical testing. Allele origin: germline.
Comment: The DOCK6 c.5527C>T variant is predicted to result in the amino acid substitution p.Arg1843Cys. To our knowledge, this variant has not been reported in the literature. This variant is reported in 0.0057% of alleles in individuals of Latino descent in gnomAD. At this time, the clinical significance of this variant is uncertain due to the absence of conclusive functional and genetic evidence.